The following is an entry in ClinVar:

NM_007294.4(BRCA1):c.1301G>A (p.Ser434Asn)

Gene: BRCA1 (BRCA1 DNA repair associated; minus strand). Cytogenetic location: 17q21.31.
Variant type: single nucleotide variant.
Coding change: c.1301G>A on transcript NM_007294.4 (MANE Select); coding-DNA position 1301, G replaced by A.
Protein change: p.Ser434Asn; replaces serine 434 with asparagine.
Molecular consequence: missense variant. On other transcripts: intron variant (137).
Genome position (GRCh38, 1-based): chr17:43,094,230, C>T on the plus strand (G>A on the coding strand, the complement: BRCA1 is on the minus strand). VCF-style: chr17-43094230-C-T. GRCh37 (hg19) VCF-style: chr17-41246247-C-T.
Other names: c.1034G>A, p.Ser345Asn (NM_001407931.1, NM_001407932.1, NM_001407934.1 and 2 more transcripts); c.1088G>A, p.Ser363Asn (NM_001407853.1, NM_001407894.1, NM_001407895.1 and 9 more transcripts); c.1301G>A, p.Ser434Asn (NM_001407854.1, NM_001407858.1, NM_001407859.1 and 30 more transcripts); c.1037G>A, p.Ser346Asn (NM_001407933.1, NM_001407935.1, NM_001407920.1 and 9 more transcripts); c.1298G>A, p.Ser433Asn (NM_001407860.1, NM_001407861.1, NM_001407587.1 and 22 more transcripts); c.1097G>A, p.Ser366Asn (NM_001407875.1, NM_001407874.1); c.1091G>A, p.Ser364Asn (NM_001407879.1, NM_001407881.1, NM_001407882.1 and 13 more transcripts); c.1100G>A, p.Ser367Asn (NM_001407862.1); and 40 more; short protein forms S387N, S434N, S266N, S322N, S346N, S364N, S386N, S431N.
Identifiers: ClinVar variation 924513 (VCV000924513.7), dbSNP rs1485510803, ClinGen allele CA10599454.

ClinVar aggregate classification (germline): Conflicting classifications of pathogenicity. Review status: criteria provided, conflicting classifications (1 of 4 stars). 3 submissions from 3 submitters: Uncertain significance (2); Likely benign (1). Last evaluated 2023-03-23.

Conditions:
Hereditary cancer-predisposing syndrome. Also called: Neoplastic Syndromes, Hereditary; Tumor predisposition; Hereditary Cancer Syndrome; Hereditary neoplastic syndrome. Identifiers: Orphanet 140162, MedGen C0027672, MeSH D009386, MONDO:0015356.

Allele frequency attached by ClinVar (database versions not stated): gnomAD 0.00001.
gnomAD v4.1: 1 of 1,614,014 alleles (0.000062%); highest among the groups gnomAD compares: Non-Finnish European, 0.000085%; no homozygotes.

Submissions (3):

University of Washington Department of Laboratory Medicine, University of Washington
Classification: Likely benign for Hereditary cancer-predisposing syndrome. Last evaluated: 2023-03-23. Review status: criteria provided, single submitter. Criteria: Dines et al. (Genet Med. 2020). Collection method: curation. Allele origin: germline.
Comment: Missense variant in a coldspot region where missense variants are very unlikely to be pathogenic (PMID:31911673).

BRCA1 coldspot (exon 11 using historical exon numbering). Reclassification based on statistical prior probability

Ambry Genetics
Classification: Uncertain significance for Hereditary cancer-predisposing syndrome. Last evaluated: 2022-05-13. Review status: criteria provided, single submitter. Criteria: Ambry Variant Classification Scheme 2023. Collection method: clinical testing. Allele origin: germline.
Comment: The p.S434N variant (also known as c.1301G>A), located in coding exon 9 of the BRCA1 gene, results from a G to A substitution at nucleotide position 1301. The serine at codon 434 is replaced by asparagine, an amino acid with highly similar properties. This amino acid position is not well conserved in available vertebrate species. In addition, the in silico prediction for this alteration is inconclusive. Since supporting evidence is limited at this time, the clinical significance of this alteration remains unclear.

Color Diagnostics, LLC DBA Color Health
Classification: Uncertain significance for Hereditary cancer-predisposing syndrome. Last evaluated: 2019-05-08. Review status: criteria provided, single submitter. Criteria: ACMG Guidelines, 2015. Collection method: clinical testing. Allele origin: germline.